The following is an entry in ClinVar:

ClinVar aggregate classification (germline): Conflicting classifications of pathogenicity. Review status: criteria provided, conflicting classifications (1 of 4 stars). 5 submissions from 5 submitters: Uncertain significance (1); Likely benign (4). Last evaluated 2025-12-03.

Conditions:
Hypertrophic cardiomyopathy 1 (CMH1). Also called: MYH7-Related Familial Hypertrophic Cardiomyopathy; Familial hypertrophic cardiomyopathy 1. Identifiers: MedGen C3495498, MONDO:0008647, OMIM 192600.

Allele frequency attached by ClinVar (database versions not stated): gnomAD 0.00006; TOPMed 0.00009; gnomAD exomes 0.00014 and 0.00017; ExAC 0.00015.
gnomAD v4.1: 221 of 1,612,808 alleles (0.014%); highest among the groups gnomAD compares: Middle Eastern, 0.099%; 2 homozygotes.

Submissions (5):

Labcorp Genetics (formerly Invitae), Labcorp
Classification: Likely benign for Hypertrophic cardiomyopathy 1. Last evaluated: 2025-12-03. Review status: criteria provided, single submitter. Criteria: Invitae Variant Classification Sherloc (09022015). Collection method: clinical testing. Allele origin: germline.

Blueprint Genetics
Classification: Likely benign. Last evaluated: 2024-11-04. Review status: criteria provided, single submitter. Criteria: ACMG Guidelines, 2015. Collection method: clinical testing. Allele origin: germline.

Ambry Genetics
Classification: Uncertain significance. Last evaluated: 2023-12-08. Review status: criteria provided, single submitter. Criteria: Ambry Variant Classification Scheme 2023. Collection method: clinical testing. Allele origin: germline.
Comment: The p.P111S variant (also known as c.331C>T), located in coding exon 2 of the MYLK2 gene, results from a C to T substitution at nucleotide position 331. The proline at codon 111 is replaced by serine, an amino acid with similar properties. This amino acid position is conserved. In addition, this alteration is predicted to be tolerated by in silico analysis. Since supporting evidence is limited at this time, the clinical significance of this alteration remains unclear.

GeneDx
Classification: Likely benign. Last evaluated: 2020-01-29. Review status: criteria provided, single submitter. Criteria: GeneDx Variant Classification Process June 2021. Collection method: clinical testing. Allele origin: germline. Affected: yes.

Breakthrough Genomics
Classification: Likely benign. Review status: criteria provided, single submitter. Criteria: ACMG Guidelines, 2015. Collection method: not provided. Allele origin: germline. Inheritance: Autosomal dominant inheritance. Affected: yes.

NM_033118.4(MYLK2):c.331C>T (p.Pro111Ser)

Gene: MYLK2 (myosin light chain kinase 2; plus strand). Cytogenetic location: 20q11.21.
Variant type: single nucleotide variant.
Coding change: c.331C>T on transcript NM_033118.4 (MANE Select); coding-DNA position 331, C replaced by T.
Protein change: p.Pro111Ser; replaces proline 111 with serine.
Molecular consequence: missense variant.
Genome position (GRCh38, 1-based): chr20:31,820,404, C>T. VCF-style: chr20-31820404-C-T. GRCh37 (hg19) VCF-style: chr20-30408207-C-T.
Other names: p.P111S:CCC>TCC; short protein forms P111S.
Identifiers: ClinVar variation 201864 (VCV000201864.15), dbSNP rs750548324, ClinGen allele CA335256.